The following is an entry in ClinVar:

NM_000545.8(HNF1A):c.1724T>G (p.Ile575Ser)

Gene: HNF1A (HNF1 homeobox A; plus strand). Cytogenetic location: 12q24.31.
Variant type: single nucleotide variant.
Coding change: c.1724T>G on transcript NM_000545.8 (MANE Select); coding-DNA position 1724, T replaced by G.
Protein change: p.Ile575Ser; replaces isoleucine 575 with serine.
Molecular consequence: missense variant.
Genome position (GRCh38, 1-based): chr12:120,999,583, T>G. VCF-style: chr12-120999583-T-G. GRCh37 (hg19) VCF-style: chr12-121437386-T-G.
Other names: c.1745T>G, p.Ile582Ser (NM_001306179.2); c.1532T>G, p.Ile511Ser (NM_001406915.1); c.1724T>G (NM_000545.6); short protein forms I511S, I575S, I582S.
Identifiers: ClinVar variation 4538688 (VCV004538688.2).

ClinVar aggregate classification (germline): Uncertain significance. Review status: criteria provided, multiple submitters, no conflicts (2 of 4 stars). 2 submissions from 2 submitters: Uncertain significance (2). Last evaluated 2025-06-18.

Conditions:
HNF1A-related disorder. Also called: HNF1A-related condition.

Submissions (2):

GeneDx
Classification: Uncertain significance. Last evaluated: 2025-06-18. Review status: criteria provided, single submitter. Criteria: GeneDx Variant Classification Process June 2021. Collection method: clinical testing. Allele origin: germline. Affected: yes.
Comment: Not observed at significant frequency in large population cohorts (gnomAD); In silico analysis suggests that this missense variant does not alter protein structure/function; Has not been previously published as pathogenic or benign to our knowledge; This variant is associated with the following publications: (PMID: 21224407)

PreventionGenetics, part of Exact Sciences
Classification: Uncertain significance for HNF1A-related condition. Last evaluated: 2025-03-31. Review status: criteria provided, single submitter. Criteria: ACMG Guidelines, 2015. Collection method: clinical testing. Allele origin: germline.
Comment: The HNF1A c.1724T>G variant is predicted to result in the amino acid substitution p.Ile575Ser. To our knowledge, this variant has not been reported in the literature or in a large population database (gnomAD), indicating this variant is rare. A different substitution affecting the same amino acid (p.Ile575Asn) has been reported in an individual with dyslipidemias (Supple Table 4, Dron et al. 2020. PubMed ID: 32041611). At this time, the clinical significance of this variant is uncertain due to the absence of conclusive functional and genetic evidence.